The following is an entry in ClinVar:

NM_002775.5(HTRA1):c.1066C>T (p.Pro356Ser)

Gene: HTRA1 (HtrA serine peptidase 1; plus strand). Cytogenetic location: 10q26.13.
Variant type: single nucleotide variant.
Coding change: c.1066C>T on transcript NM_002775.5 (MANE Select); coding-DNA position 1066, C replaced by T.
Protein change: p.Pro356Ser; replaces proline 356 with serine.
Molecular consequence: missense variant.
Genome position (GRCh38, 1-based): chr10:122,508,716, C>T. VCF-style: chr10-122508716-C-T. GRCh37 (hg19) VCF-style: chr10-124268232-C-T.
Other names: short protein forms P356S.
Identifiers: ClinVar variation 3365803 (VCV003365803.2).
Genomic context (GRCh38, chr10:122,508,716, plus strand): 5'-GACGGTGAAGTGATTGGAATTAACACTTTGAAAGTGACAGCTGGAATCTCCTTTGCAATC[C>T]CATCTGATAAGATTAAAAAGTTCCTCACGGAGTCCCATGACCGACAGGCCAAAGGTAGGC-3'
Protein context (NP_002766.1, residues 346-366): KVTAGISFAI[Pro356Ser]SDKIKKFLTE

ClinVar aggregate classification (germline): Uncertain significance (1 of 4 stars; one submission).

Submission:

GeneDx
Classification: Uncertain significance. Last evaluated: 2026-04-10. Review status: criteria provided, single submitter. Criteria: GeneDx Variant Classification Process June 2021. Collection method: clinical testing. Allele origin: germline.
Comment: Not observed at significant frequency in large population cohorts (gnomAD); In silico analysis supports that this missense variant has a deleterious effect on protein structure/function; Has not been previously published as pathogenic or benign to our knowledge